The following is an entry in ClinVar:

ClinVar aggregate classification (germline): Uncertain significance. Review status: criteria provided, multiple submitters, no conflicts (2 of 4 stars). 2 submissions from 2 submitters: Uncertain significance (2). Last evaluated 2024-02-29.

Conditions:
Hereditary cancer-predisposing syndrome. Also called: Hereditary neoplastic syndrome; Neoplastic Syndromes, Hereditary; Tumor predisposition; Hereditary Cancer Syndrome. Identifiers: Orphanet 140162, MedGen C0027672, MeSH D009386, MONDO:0015356.
Hereditary diffuse gastric adenocarcinoma (HDGC). Also called: DIFFUSE GASTRIC AND LOBULAR BREAST CANCER SYNDROME. Identifiers: Orphanet 26106, MedGen C1708349, MONDO:0007648, OMIM 137215.

Submissions (2):

Labcorp Genetics (formerly Invitae), Labcorp
Classification: Uncertain significance for Hereditary diffuse gastric adenocarcinoma. Last evaluated: 2024-02-29. Review status: criteria provided, single submitter. Criteria: Invitae Variant Classification Sherloc (09022015). Collection method: clinical testing. Allele origin: germline.
Comment: This sequence change replaces glycine, which is neutral and non-polar, with glutamic acid, which is acidic and polar, at codon 761 of the CDH1 protein (p.Gly761Glu). This variant is not present in population databases (gnomAD no frequency). This variant has not been reported in the literature in individuals affected with CDH1-related conditions. ClinVar contains an entry for this variant (Variation ID: 483270). An algorithm developed to predict the effect of missense changes on protein structure and function (PolyPhen-2) suggests that this variant is likely to be disruptive. In summary, the available evidence is currently insufficient to determine the role of this variant in disease. Therefore, it has been classified as a Variant of Uncertain Significance.

Ambry Genetics
Classification: Uncertain significance for Hereditary cancer-predisposing syndrome. Last evaluated: 2020-10-15. Review status: criteria provided, single submitter. Criteria: Ambry Variant Classification Scheme 2023. Collection method: clinical testing. Allele origin: germline.
Comment: The p.G761E variant (also known as c.2282G>A), located in coding exon 14 of the CDH1 gene, results from a G to A substitution at nucleotide position 2282. The glycine at codon 761 is replaced by glutamic acid, an amino acid with similar properties. This amino acid position is highly conserved in available vertebrate species. In addition, this alteration is predicted to be deleterious by in silico analysis. Since supporting evidence is limited at this time, the clinical significance of this alteration remains unclear.

NM_004360.5(CDH1):c.2282G>A (p.Gly761Glu)

Gene: CDH1 (cadherin 1; plus strand). Cytogenetic location: 16q22.1.
Variant type: single nucleotide variant.
Coding change: c.2282G>A on transcript NM_004360.5 (MANE Select); coding-DNA position 2282, G replaced by A.
Protein change: p.Gly761Glu; replaces glycine 761 with glutamic acid.
Molecular consequence: missense variant.
Genome position (GRCh38, 1-based): chr16:68,828,291, G>A. VCF-style: chr16-68828291-G-A. GRCh37 (hg19) VCF-style: chr16-68862194-G-A.
Other names: c.2282G>A (LRG_301t1); c.2099G>A, p.Gly700Glu (NM_001317184.2); c.734G>A, p.Gly245Glu (NM_001317185.2); c.317G>A, p.Gly106Glu (NM_001317186.2); short protein forms G761E, G106E, G245E, G700E.
Identifiers: ClinVar variation 483270 (VCV000483270.11), dbSNP rs876659664, ClinGen allele CA396470073.